The following is an entry in ClinVar:

NM_015512.5(DNAH1):c.2255G>C (p.Arg752Pro)

Gene: DNAH1 (dynein axonemal heavy chain 1; plus strand). Cytogenetic location: 3p21.1.
Variant type: single nucleotide variant.
Coding change: c.2255G>C on transcript NM_015512.5 (MANE Select); coding-DNA position 2255, G replaced by C.
Protein change: p.Arg752Pro; replaces arginine 752 with proline.
Molecular consequence: missense variant.
Genome position (GRCh38, 1-based): chr3:52,349,036, G>C. VCF-style: chr3-52349036-G-C. GRCh37 (hg19) VCF-style: chr3-52383052-G-C.
Other names: short protein forms R752P.
Identifiers: ClinVar variation 1039447 (VCV001039447.4), dbSNP rs749446487, ClinGen allele CA2433190.

ClinVar aggregate classification (germline): Uncertain significance (1 of 4 stars; one submission).

Conditions:
Spermatogenic failure 18. Identifiers: MedGen C4539783, MONDO:0054615, OMIM 617576.
Ciliary dyskinesia, primary, 37 (CILD37). Also called: CILIARY DYSKINESIA, PRIMARY, 37, WITH OR WITHOUT SITUS INVERSUS. Identifiers: MedGen C4539798, MONDO:0033204, OMIM 617577.

Allele frequency attached by ClinVar (database versions not stated): gnomAD 0.00001; ExAC 0.00002.
gnomAD v4.1: 67 of 1,612,776 alleles (0.0042%); highest among the groups gnomAD compares: Non-Finnish European, 0.0054%; no homozygotes.

Submission:

Labcorp Genetics (formerly Invitae), Labcorp
Classification: Uncertain significance for Ciliary dyskinesia, primary, 37; Spermatogenic failure 18. Last evaluated: 2020-09-14. Review status: criteria provided, single submitter. Criteria: Invitae Variant Classification Sherloc (09022015). Collection method: clinical testing. Allele origin: germline.
Comment: This sequence change replaces arginine with proline at codon 752 of the DNAH1 protein (p.Arg752Pro). The arginine residue is weakly conserved and there is a moderate physicochemical difference between arginine and proline. In summary, the available evidence is currently insufficient to determine the role of this variant in disease. Therefore, it has been classified as a Variant of Uncertain Significance. Algorithms developed to predict the effect of missense changes on protein structure and function (SIFT, PolyPhen-2, Align-GVGD) all suggest that this variant is likely to be tolerated, but these predictions have not been confirmed by published functional studies and their clinical significance is uncertain. This variant has not been reported in the literature in individuals with DNAH1-related conditions. This variant is present in population databases (rs749446487, ExAC 0.01%).